The following is an entry in ClinVar:

ClinVar aggregate classification (germline): Uncertain significance (1 of 4 stars; one submission).

Conditions:
Early-onset Lafora body disease. Also called: Epilepsy, progressive myoclonic, 10. Identifiers: Orphanet 324290, MedGen C4225258, MONDO:0014717, OMIM 616640.

gnomAD v4.1: 2 of 1,494,234 alleles (0.00013%); highest among the groups gnomAD compares: Non-Finnish European, 0.00018%; no homozygotes.

Submission:

Labcorp Genetics (formerly Invitae), Labcorp
Classification: Uncertain significance for Early-onset Lafora body disease. Last evaluated: 2022-08-21. Review status: criteria provided, single submitter. Criteria: Invitae Variant Classification Sherloc (09022015). Collection method: clinical testing. Allele origin: germline.
Comment: In summary, the available evidence is currently insufficient to determine the role of this variant in disease. Therefore, it has been classified as a Variant of Uncertain Significance. Algorithms developed to predict the effect of missense changes on protein structure and function are either unavailable or do not agree on the potential impact of this missense change (SIFT: "Deleterious"; PolyPhen-2: "Benign"; Align-GVGD: "Class C0"). This variant has not been reported in the literature in individuals affected with PRDM8-related conditions. This variant is not present in population databases (gnomAD no frequency). This sequence change replaces glutamine, which is neutral and polar, with arginine, which is basic and polar, at codon 503 of the PRDM8 protein (p.Gln503Arg).

NM_001099403.2(PRDM8):c.1508A>G (p.Gln503Arg)

Genes: PRDM8 (PR/SET domain 8; plus strand), LOC129992745 (ATAC-STARR-seq lymphoblastoid silent region 15522; plus strand). Cytogenetic location: 4q21.21.
Variant type: single nucleotide variant.
Coding change: c.1508A>G on transcript NM_001099403.2 (MANE Select); coding-DNA position 1508, A replaced by G.
Protein change: p.Gln503Arg; replaces glutamine 503 with arginine.
Molecular consequence: missense variant.
Genome position (GRCh38, 1-based): chr4:80,202,970, A>G. VCF-style: chr4-80202970-A-G. GRCh37 (hg19) VCF-style: chr4-81124124-A-G.
Other names: c.1508A>G, p.Gln503Arg (NM_020226.4); short protein forms Q503R.
Identifiers: ClinVar variation 1717471 (VCV001717471.6), dbSNP rs2475916736, ClinGen allele CA357401152.